The following is an entry in ClinVar:

NM_006946.4(SPTBN2):c.6669G>A (p.Gly2223=)

Gene: SPTBN2 (spectrin beta, non-erythrocytic 2; minus strand). Cytogenetic location: 11q13.2.
Variant type: single nucleotide variant.
Coding change: c.6669G>A on transcript NM_006946.4 (MANE Select); coding-DNA position 6669, G replaced by A.
Protein change: p.Gly2223=; no amino-acid change (glycine 2223 retained).
Molecular consequence: synonymous variant.
Genome position (GRCh38, 1-based): chr11:66,687,480, C>T on the plus strand (G>A on the coding strand, the complement: SPTBN2 is on the minus strand). VCF-style: chr11-66687480-C-T. GRCh37 (hg19) VCF-style: chr11-66454951-C-T.
Other names: p.Gly2223=; c.6669G>A (NM_006946.3).
Identifiers: ClinVar variation 305532 (VCV000305532.18), dbSNP rs138819654, ClinGen allele CA6127837.

ClinVar aggregate classification (germline): Benign/Likely benign. Review status: criteria provided, multiple submitters, no conflicts (2 of 4 stars). 6 submissions from 6 submitters: Benign (3); Likely benign (3). Last evaluated 2026-01-28.

Conditions:
Autosomal recessive spinocerebellar ataxia 14. Also called: CEREBELLAR ATAXIA, AUTOSOMAL RECESSIVE, SPECTRIN-ASSOCIATED, 1. Identifiers: Orphanet 352403, MedGen C4706415, MONDO:0014159, OMIM 615386.
Spinocerebellar ataxia type 5 (SCA5). Identifiers: Orphanet 98766, MedGen C0752123, MONDO:0010848, OMIM 600224.

Allele frequency attached by ClinVar (database versions not stated): gnomAD exomes 0.00130; ExAC 0.00149; gnomAD 0.00529 and 0.00560; 1000 Genomes Project 0.00539; ESP Exome Variant Server 0.00585; TOPMed 0.00623; 1000 Genomes Project 30x 0.00656.
gnomAD v4.1: 1,534 of 1,610,778 alleles (0.095%); highest among the groups gnomAD compares: African/African-American, 1.7%; 11 homozygotes.

Submissions (6):

Labcorp Genetics (formerly Invitae), Labcorp
Classification: Benign. Last evaluated: 2026-01-28. Review status: criteria provided, single submitter. Criteria: Invitae Variant Classification Sherloc (09022015). Collection method: clinical testing. Allele origin: germline.

Mayo Clinic Laboratories, Mayo Clinic
Classification: Benign. Last evaluated: 2025-06-04. Review status: criteria provided, single submitter. Criteria: ACMG Guidelines, 2015. Collection method: clinical testing. Allele origin: germline. Observed: 1 variant allele.
Comment: BA1, BP4, BP7

GeneDx
Classification: Likely benign. Last evaluated: 2023-11-07. Review status: criteria provided, single submitter. Criteria: GeneDx Variant Classification Process June 2021. Collection method: clinical testing. Allele origin: germline. Affected: yes.
Comment: See Variant Classification Assertion Criteria.

Fulgent Genetics
Classification: Likely benign for Spinocerebellar ataxia type 5; Autosomal recessive spinocerebellar ataxia 14. Last evaluated: 2021-08-06. Review status: criteria provided, single submitter. Criteria: ACMG Guidelines, 2015. Collection method: clinical testing. Allele origin: unknown.

Athena Diagnostics
Classification: Benign. Last evaluated: 2018-12-27. Review status: criteria provided, single submitter. Criteria: Athena Diagnostics Criteria. Collection method: clinical testing. Allele origin: germline.

Breakthrough Genomics
Classification: Likely benign. Review status: criteria provided, single submitter. Criteria: ACMG Guidelines, 2015. Collection method: not provided. Allele origin: germline. Inheritance: Autosomal recessive inheritance. Affected: yes.